The following is an entry in ClinVar:

ClinVar aggregate classification (germline): Uncertain significance (1 of 4 stars; one submission).

Submission:

Labcorp Genetics (formerly Invitae), Labcorp
Classification: Uncertain significance. Last evaluated: 2022-06-20. Review status: criteria provided, single submitter. Criteria: Invitae Variant Classification Sherloc (09022015). Collection method: clinical testing. Allele origin: germline.
Comment: This variant is not present in population databases (gnomAD no frequency). This sequence change replaces methionine, which is neutral and non-polar, with arginine, which is basic and polar, at codon 2101 of the ABCA4 protein (p.Met2101Arg). This missense change has been observed in individual(s) with clinical features of ABCA4-related conditions (Invitae). ClinVar contains an entry for this variant (Variation ID: 848704). Advanced modeling of protein sequence and biophysical properties (such as structural, functional, and spatial information, amino acid conservation, physicochemical variation, residue mobility, and thermodynamic stability) performed at Invitae indicates that this missense variant is expected to disrupt ABCA4 protein function. In summary, the available evidence is currently insufficient to determine the role of this variant in disease. Therefore, it has been classified as a Variant of Uncertain Significance.

NM_000350.3(ABCA4):c.6302T>G (p.Met2101Arg)

Gene: ABCA4 (ATP binding cassette subfamily A member 4; minus strand). Cytogenetic location: 1p22.1.
Variant type: single nucleotide variant.
Coding change: c.6302T>G on transcript NM_000350.3 (MANE Select); coding-DNA position 6302, T replaced by G.
Protein change: p.Met2101Arg; replaces methionine 2101 with arginine.
Molecular consequence: missense variant.
Genome position (GRCh38, 1-based): chr1:94,001,086, A>C on the plus strand (T>G on the coding strand, the complement: ABCA4 is on the minus strand). VCF-style: chr1-94001086-A-C. GRCh37 (hg19) VCF-style: chr1-94466642-A-C.
Other names: c.6080T>G, p.Met2027Arg (NM_001425324.1); short protein forms M2101R, M2027R.
Identifiers: ClinVar variation 848704 (VCV000848704.9), dbSNP rs1659161479, ClinGen allele CA341277596.